The following is an entry in ClinVar:

NM_145117.5(NAV2):c.6424C>T (p.Arg2142Cys)

Gene: NAV2 (neuron navigator 2; plus strand). Cytogenetic location: 11p15.1.
Variant type: single nucleotide variant.
Coding change: c.6424C>T on transcript NM_145117.5 (MANE Select); coding-DNA position 6424, C replaced by T.
Protein change: p.Arg2142Cys; replaces arginine 2142 with cysteine.
Molecular consequence: missense variant.
Genome position (GRCh38, 1-based): chr11:20,103,261, C>T. VCF-style: chr11-20103261-C-T. GRCh37 (hg19) VCF-style: chr11-20124807-C-T.
Other names: c.6232C>T, p.Arg2078Cys (NM_001111018.2); c.3616C>T, p.Arg1206Cys (NM_001111019.3); c.6601C>T, p.Arg2201Cys (NM_001244963.2); c.6433C>T, p.Arg2145Cys (NM_182964.6); short protein forms R1206C, R2078C, R2142C, R2145C, R2201C.
Identifiers: ClinVar variation 3043993 (VCV003043993.21), dbSNP rs34329467, ClinGen allele CA5919377.

ClinVar aggregate classification (germline): Likely benign. Review status: criteria provided, single submitter (1 of 4 stars). 2 submissions from 2 submitters: Likely benign (1). 1 of the submissions does not count toward it. Last evaluated 2024-09-01.

Conditions:
NAV2-related disorder. Also called: NAV2-related condition.

Allele frequency attached by ClinVar (database versions not stated): 1000 Genomes Project 30x 0.00047; 1000 Genomes Project 0.00060; ESP Exome Variant Server 0.00254.
gnomAD v4.1: 5,847 of 1,612,250 alleles (0.36%); highest among the groups gnomAD compares: Non-Finnish European, 0.47%; 14 homozygotes.

Submissions (2):

CeGaT Center for Human Genetics Tuebingen
Classification: Likely benign. Last evaluated: 2024-09-01. Review status: criteria provided, single submitter. Criteria: CeGaT Center For Human Genetics Tuebingen Variant Classification Criteria Version 2. Collection method: clinical testing. Allele origin: germline. Affected: yes. Observed: 2 variant alleles.
Comment: NAV2: PP3, BS2

PreventionGenetics, part of Exact Sciences
Classification: Likely benign for NAV2-related condition. Last evaluated: 2023-06-06. Review status: no assertion criteria provided. Collection method: clinical testing. Allele origin: germline. Not counted in ClinVar's aggregate classification.
Comment: This variant is classified as likely benign based on ACMG/AMP sequence variant interpretation guidelines (Richards et al. 2015 PMID: 25741868, with internal and published modifications).